The following is an entry in ClinVar:

ClinVar aggregate classification (germline): Likely benign (1 of 4 stars; one submission).

Conditions:
Telangiectasia, hereditary hemorrhagic, type 2 (HHT2). Also called: Telangiectasia, hereditary hemorrhagic, type II; ACVRL1-Related Hereditary Hemorrhagic Telangiectasia. Identifiers: Orphanet 774, MedGen C1838163, MONDO:0010880, OMIM 600376. Disease mechanism: loss of function.

Allele frequency attached by ClinVar (database versions not stated): 1000 Genomes Project 30x 0.00078; 1000 Genomes Project 0.00060; TOPMed 0.00099.

Submission:

Illumina Laboratory Services, Illumina
Classification: Likely benign for Telangiectasia, hereditary hemorrhagic, type 2. Last evaluated: 2018-01-13. Review status: criteria provided, single submitter. Criteria: ICSL Variant Classification Criteria 13 December 2019. Collection method: clinical testing. Allele origin: germline.
Comment: This variant was observed in the ICSL laboratory as part of a predisposition screen in an ostensibly healthy population. It had not been previously curated by ICSL or reported in the Human Gene Mutation Database (HGMD: prior to June 1st, 2018), and was therefore a candidate for classification through an automated scoring system. Utilizing variant allele frequency, disease prevalence and penetrance estimates, and inheritance mode, an automated score was calculated to assess if this variant is too frequent to cause the disease. Based on the score and internal cut-off values, a variant classified as likely benign is not then subjected to further curation. The score for this variant resulted in a classification of likely benign for this disease.

NM_000020.2(ACVRL1):c.-202C>G

Gene: ACVRL1 (activin A receptor like type 1; plus strand). Cytogenetic location: 12q13.13.
Variant type: single nucleotide variant.
Coding change: c.-202C>G on transcript NM_000020.2; 202 bases upstream of the start codon, C replaced by G.
Molecular consequence: 5 prime UTR variant (on NM_001406487.1).
Genome position (GRCh38, 1-based): chr12:51,907,499, C>G. VCF-style: chr12-51907499-C-G. GRCh37 (hg19) VCF-style: chr12-52301283-C-G.
Other names: c.-202C>G (NM_001406487.1).
Identifiers: ClinVar variation 309435 (VCV000309435.7), dbSNP rs573855752, ClinGen allele CA10642674.